The following is an entry in ClinVar:

NM_152564.5(VPS13B):c.8497A>G (p.Ile2833Val)

Gene: VPS13B (vacuolar protein sorting 13 homolog B; plus strand). Cytogenetic location: 8q22.2.
Variant type: single nucleotide variant.
Coding change: c.8497A>G on transcript NM_152564.5 (MANE Select); coding-DNA position 8497, A replaced by G.
Protein change: p.Ile2833Val; replaces isoleucine 2833 with valine.
Molecular consequence: missense variant.
Genome position (GRCh38, 1-based): chr8:99,818,764, A>G. VCF-style: chr8-99818764-A-G. GRCh37 (hg19) VCF-style: chr8-100830992-A-G.
Other names: c.8572A>G, p.Ile2858Val (NM_017890.5); c.8497A>G (NM_152564.4); short protein forms I2833V, I2858V.
Identifiers: ClinVar variation 212582 (VCV000212582.8), dbSNP rs797046096, ClinGen allele CA205139.
Genomic context (GRCh38, chr8:99,818,764, plus strand): 5'-TTTTTATAGATTGTGTTCAGCCCTCTTTTTATCATGAGGAGTCATCTTCCAGACCCCATT[A>G]TCATACATTTGGAGAAAAGGAGTCTGGGATTGAGTGAAACACAAATTATTCCAGGAAAAG-3'
Protein context (NP_689777.3, residues 2823-2843): IMRSHLPDPI[Ile2833Val]IHLEKRSLGL

ClinVar aggregate classification (germline): Uncertain significance. Review status: criteria provided, multiple submitters, no conflicts (2 of 4 stars). 3 submissions from 3 submitters: Uncertain significance (3). Last evaluated 2025-11-04.

Conditions:
VPS13B-related disorder. Also called: VPS13B-related condition.
Cohen syndrome (COH1). Also called: Cutis verticis gyrata, retinitis pigmentosa, and sensorineural deafness; PEPPER SYNDROME. Identifiers: Orphanet 193, MedGen C0265223, MONDO:0008999, OMIM 216550.

Allele frequency attached by ClinVar (database versions not stated): gnomAD exomes below 0.00001 and 0.00001; gnomAD 0.00001; TOPMed 0.00001.
gnomAD v4.1: 12 of 1,613,906 alleles (0.00074%); highest among the groups gnomAD compares: East Asian, 0.0022%; no homozygotes.

Submissions (3):

PreventionGenetics, part of Exact Sciences
Classification: Uncertain significance for VPS13B-related condition. Last evaluated: 2025-11-04. Review status: criteria provided, single submitter. Criteria: ACMG Guidelines, 2015. Collection method: clinical testing. Allele origin: germline.
Comment: The VPS13B c.8497A>G variant is predicted to result in the amino acid substitution p.Ile2833Val. To our knowledge, this variant has not been reported in the literature. This variant is reported in 0.0054% of alleles in individuals of East Asian descent in gnomAD. At this time, the clinical significance of this variant is uncertain due to the absence of conclusive functional and genetic evidence.

Labcorp Genetics (formerly Invitae), Labcorp
Classification: Uncertain significance for Cohen syndrome. Last evaluated: 2022-06-08. Review status: criteria provided, single submitter. Criteria: Invitae Variant Classification Sherloc (09022015). Collection method: clinical testing. Allele origin: germline.
Comment: This sequence change replaces isoleucine, which is neutral and non-polar, with valine, which is neutral and non-polar, at codon 2858 of the VPS13B protein (p.Ile2858Val). This variant is present in population databases (rs797046096, gnomAD 0.006%). This variant has not been reported in the literature in individuals affected with VPS13B-related conditions. ClinVar contains an entry for this variant (Variation ID: 212582). Algorithms developed to predict the effect of missense changes on protein structure and function are either unavailable or do not agree on the potential impact of this missense change (SIFT: "Not Available"; PolyPhen-2: "Benign"; Align-GVGD: "Not Available"). In summary, the available evidence is currently insufficient to determine the role of this variant in disease. Therefore, it has been classified as a Variant of Uncertain Significance.

Genetic Services Laboratory, University of Chicago
Classification: Uncertain significance. Last evaluated: 2014-05-27. Review status: criteria provided, single submitter. Criteria: ACMG Guidelines, 2015. Collection method: clinical testing. Allele origin: germline.